The following is an entry in ClinVar:

NM_001378120.1(MBD5):c.1250T>G (p.Met417Arg)

Gene: MBD5 (methyl-CpG binding domain protein 5; plus strand). Cytogenetic location: 2q23.1.
Variant type: single nucleotide variant.
Coding change: c.1250T>G on transcript NM_001378120.1 (MANE Select); coding-DNA position 1250, T replaced by G.
Protein change: p.Met417Arg; replaces methionine 417 with arginine.
Molecular consequence: missense variant.
Genome position (GRCh38, 1-based): chr2:148,469,193, T>G. VCF-style: chr2-148469193-T-G. GRCh37 (hg19) VCF-style: chr2-149226762-T-G.
Other names: c.1250T>G, p.Met417Arg (NM_018328.5); short protein forms M417R.
Identifiers: ClinVar variation 2097844 (VCV002097844.4), dbSNP rs1574460069, ClinGen allele CA348719292.

ClinVar aggregate classification (germline): Likely pathogenic (1 of 4 stars; one submission).

Conditions:
Intellectual developmental disorder, autosomal dominant 1. Also called: Intellectual disability, autosomal dominant 1; MBD5 Haploinsufficiency. Identifiers: Orphanet 228402, MedGen C1969562, MONDO:0007974, OMIM 156200.

Submission:

Labcorp Genetics (formerly Invitae), Labcorp
Classification: Likely pathogenic for Intellectual developmental disorder, autosomal dominant 1. Last evaluated: 2024-10-21. Review status: criteria provided, single submitter. Criteria: Invitae Variant Classification Sherloc (09022015). Collection method: clinical testing. Allele origin: germline.
Comment: This sequence change replaces methionine, which is neutral and non-polar, with arginine, which is basic and polar, at codon 417 of the MBD5 protein (p.Met417Arg). This variant is not present in population databases (gnomAD no frequency). This missense change has been observed in individual(s) with clinical features of MBD5-related conditions (internal data). In at least one individual the variant was observed to be de novo. ClinVar contains an entry for this variant (Variation ID: 2097844). Invitae Evidence Modeling of protein sequence and biophysical properties (such as structural, functional, and spatial information, amino acid conservation, physicochemical variation, residue mobility, and thermodynamic stability) indicates that this missense variant is not expected to disrupt MBD5 protein function with a negative predictive value of 80%. In summary, the currently available evidence indicates that the variant is pathogenic, but additional data are needed to prove that conclusively. Therefore, this variant has been classified as Likely Pathogenic.